The following is an entry in ClinVar:

NM_000355.4(TCN2):c.391C>T (p.Leu131Phe)

Gene: TCN2 (transcobalamin 2; plus strand). Cytogenetic location: 22q12.2.
Variant type: single nucleotide variant.
Coding change: c.391C>T on transcript NM_000355.4 (MANE Select); coding-DNA position 391, C replaced by T.
Protein change: p.Leu131Phe; replaces leucine 131 with phenylalanine.
Molecular consequence: missense variant. On other transcripts: intron variant (1).
Genome position (GRCh38, 1-based): chr22:30,613,006, C>T. VCF-style: chr22-30613006-C-T. GRCh37 (hg19) VCF-style: chr22-31008993-C-T.
Other names: c.346+45C>T (NM_001184726.2); c.391C>T (NM_000355.3); short protein forms L131F.
Identifiers: ClinVar variation 1053472 (VCV001053472.7), dbSNP rs747887520, ClinGen allele CA10184607.

ClinVar aggregate classification (germline): Uncertain significance. Review status: criteria provided, multiple submitters, no conflicts (2 of 4 stars). 2 submissions from 2 submitters: Uncertain significance (2). Last evaluated 2025-06-18.

Conditions:
Inborn genetic diseases. Identifiers: MedGen C0950123, MeSH D030342.
Transcobalamin II deficiency (TCN2D). Also called: Transcolabamin II deficiency; TC II DEFICIENCY; TCN2 DEFICIENCY. Identifiers: Orphanet 859, MedGen C0342701, MONDO:0010149, OMIM 275350.

Allele frequency attached by ClinVar (database versions not stated): TOPMed 0.00001; gnomAD exomes 0.00003 and 0.00006; ExAC 0.00009.
gnomAD v4.1: 43 of 1,614,128 alleles (0.0027%); highest among the groups gnomAD compares: South Asian, 0.047%; no homozygotes.

Submissions (2):

Ambry Genetics
Classification: Uncertain significance for Inborn genetic diseases. Last evaluated: 2025-06-18. Review status: criteria provided, single submitter. Criteria: Ambry Variant Classification Scheme 2023. Collection method: clinical testing. Allele origin: germline.

Labcorp Genetics (formerly Invitae), Labcorp
Classification: Uncertain significance for Transcobalamin II deficiency. Last evaluated: 2022-01-07. Review status: criteria provided, single submitter. Criteria: Invitae Variant Classification Sherloc (09022015). Collection method: clinical testing. Allele origin: germline.
Comment: This sequence change replaces leucine, which is neutral and non-polar, with phenylalanine, which is neutral and non-polar, at codon 131 of the TCN2 protein (p.Leu131Phe). This variant is present in population databases (rs747887520, gnomAD 0.05%). This variant has not been reported in the literature in individuals affected with TCN2-related conditions. ClinVar contains an entry for this variant (Variation ID: 1053472). Algorithms developed to predict the effect of missense changes on protein structure and function are either unavailable or do not agree on the potential impact of this missense change (SIFT: "Deleterious"; PolyPhen-2: "Probably Damaging"; Align-GVGD: "Class C15"). In summary, the available evidence is currently insufficient to determine the role of this variant in disease. Therefore, it has been classified as a Variant of Uncertain Significance.